The following is an entry in ClinVar:

NM_015338.6(ASXL1):c.2366G>A (p.Cys789Tyr)

Gene: ASXL1 (ASXL transcriptional regulator 1; plus strand). Cytogenetic location: 20q11.21.
Variant type: single nucleotide variant.
Coding change: c.2366G>A on transcript NM_015338.6 (MANE Select); coding-DNA position 2366, G replaced by A.
Protein change: p.Cys789Tyr; replaces cysteine 789 with tyrosine.
Molecular consequence: missense variant.
Genome position (GRCh38, 1-based): chr20:32,435,078, G>A. VCF-style: chr20-32435078-G-A. GRCh37 (hg19) VCF-style: chr20-31022881-G-A.
Other names: c.2183G>A, p.Cys728Tyr (NM_001363734.1); short protein forms C789Y, C728Y.
Identifiers: ClinVar variation 4159380 (VCV004159380.1).

ClinVar aggregate classification (germline): Uncertain significance (1 of 4 stars; one submission).

Conditions:
Inborn genetic diseases. Identifiers: MedGen C0950123, MeSH D030342.

gnomAD v4.1: 1 of 1,614,088 alleles (0.000062%); highest among the groups gnomAD compares: Admixed American, 0.0017%; no homozygotes.

Submission:

Ambry Genetics
Classification: Uncertain significance for Inborn genetic diseases. Last evaluated: 2025-08-30. Review status: criteria provided, single submitter. Criteria: Ambry Variant Classification Scheme 2023. Collection method: clinical testing. Allele origin: germline.
Comment: The p.C789Y variant (also known as c.2366G>A), located in coding exon 13 of the ASXL1 gene, results from a G to A substitution at nucleotide position 2366. The cysteine at codon 789 is replaced by tyrosine, an amino acid with highly dissimilar properties. This amino acid position is conserved. In addition, this alteration is predicted to be tolerated by in silico analysis. Based on the available evidence, the clinical significance of this variant remains unclear.